The following is an entry in ClinVar:

NM_006231.4(POLE):c.3958C>G (p.Arg1320Gly)

Gene: POLE (DNA polymerase epsilon, catalytic subunit; minus strand). Cytogenetic location: 12q24.33.
Variant type: single nucleotide variant.
Coding change: c.3958C>G on transcript NM_006231.4 (MANE Select); coding-DNA position 3958, C replaced by G.
Protein change: p.Arg1320Gly; replaces arginine 1320 with glycine.
Molecular consequence: missense variant.
Genome position (GRCh38, 1-based): chr12:132,649,353, G>C on the plus strand (C>G on the coding strand, the complement: POLE is on the minus strand). VCF-style: chr12-132649353-G-C. GRCh37 (hg19) VCF-style: chr12-133225939-G-C.
Other names: c.3958C>G (NM_006231.2); short protein forms R1320G.
Identifiers: ClinVar variation 1041312 (VCV001041312.10), dbSNP rs754411056, ClinGen allele CA387384886.
Genomic context (GRCh38, chr12:132,649,353, plus strand): 5'-TCAAGGTCTATACCTGCACAATCTGCCACGGAAGGTCCAGGATGCTGCGGGCAGTTCTTC[G>C]CAAGAAGCTCCCCAGCCCCGTGGCAGGACCATCCCGGATGGCCCCGGGCCTGAGCACACC-3'
Protein context (NP_006222.2, residues 1310-1330): GPATGLGSFL[Arg1320Gly]RTARSILDLP

ClinVar aggregate classification (germline): Uncertain significance. Review status: criteria provided, multiple submitters, no conflicts (2 of 4 stars). 2 submissions from 2 submitters: Uncertain significance (2). Last evaluated 2025-09-08.

Conditions:
Hereditary cancer-predisposing syndrome. Also called: Hereditary Cancer Syndrome; Tumor predisposition; Hereditary neoplastic syndrome; Neoplastic Syndromes, Hereditary. Identifiers: Orphanet 140162, MedGen C0027672, MeSH D009386, MONDO:0015356.

gnomAD v4.1: 1 of 1,613,588 alleles (0.000062%); highest among the groups gnomAD compares: Non-Finnish European, 0.000085%; no homozygotes.

Submissions (2):

Labcorp Genetics (formerly Invitae), Labcorp
Classification: Uncertain significance. Last evaluated: 2025-09-08. Review status: criteria provided, single submitter. Criteria: Invitae Variant Classification Sherloc (09022015). Collection method: clinical testing. Allele origin: germline.
Comment: This sequence change replaces arginine, which is basic and polar, with glycine, which is neutral and non-polar, at codon 1320 of the POLE protein (p.Arg1320Gly). This variant is not present in population databases (gnomAD no frequency). This variant has not been reported in the literature in individuals affected with POLE-related conditions. ClinVar contains an entry for this variant (Variation ID: 1041312). Invitae Evidence Modeling of protein sequence and biophysical properties (such as structural, functional, and spatial information, amino acid conservation, physicochemical variation, residue mobility, and thermodynamic stability) indicates that this missense variant is not expected to disrupt POLE protein function with a negative predictive value of 80%. In summary, the available evidence is currently insufficient to determine the role of this variant in disease. Therefore, it has been classified as a Variant of Uncertain Significance.

Ambry Genetics
Classification: Uncertain significance for Hereditary cancer-predisposing syndrome. Last evaluated: 2023-01-07. Review status: criteria provided, single submitter. Criteria: Ambry Variant Classification Scheme 2023. Collection method: clinical testing. Allele origin: germline.
Comment: The p.R1320G variant (also known as c.3958C>G), located in coding exon 31 of the POLE gene, results from a C to G substitution at nucleotide position 3958. The arginine at codon 1320 is replaced by glycine, an amino acid with dissimilar properties. This amino acid position is conserved. In addition, the in silico prediction for this alteration is inconclusive. Since supporting evidence is limited at this time, the clinical significance of this alteration remains unclear.